The following is an entry in ClinVar:

NM_003803.4(MYOM1):c.2685A>G (p.Glu895=)

Gene: MYOM1 (myomesin 1; minus strand). Cytogenetic location: 18p11.31.
Variant type: single nucleotide variant.
Coding change: c.2685A>G on transcript NM_003803.4 (MANE Select); coding-DNA position 2685, A replaced by G.
Protein change: p.Glu895=; no amino-acid change (glutamic acid 895 retained).
Molecular consequence: synonymous variant. On other transcripts: intron variant (1).
Genome position (GRCh38, 1-based): chr18:3,129,341, T>C on the plus strand (A>G on the coding strand, the complement: MYOM1 is on the minus strand). VCF-style: chr18-3129341-T-C. GRCh37 (hg19) VCF-style: chr18-3129339-T-C.
Other names: c.2506+2034A>G (NM_019856.2).
Identifiers: ClinVar variation 2992815 (VCV002992815.3), dbSNP rs2079841881, ClinGen allele CA502809797.

ClinVar aggregate classification (germline): Uncertain significance (1 of 4 stars; one submission).

Conditions:
Hypertrophic cardiomyopathy. Also called: HYPERTROPHIC MYOCARDIOPATHY. Identifiers: Orphanet 217569, MedGen C0007194, MeSH D002312, MONDO:0005045, HP:0001639.

Allele frequency attached by ClinVar (database versions not stated): gnomAD 0.00001; TOPMed 0.00001.
gnomAD v4.1: 1 of 1,613,914 alleles (0.000062%); highest among the groups gnomAD compares: African/African-American, 0.0013%; no homozygotes.

Submission:

Labcorp Genetics (formerly Invitae), Labcorp
Classification: Uncertain significance for Hypertrophic cardiomyopathy. Last evaluated: 2023-05-24. Review status: criteria provided, single submitter. Criteria: Invitae Variant Classification Sherloc (09022015). Collection method: clinical testing. Allele origin: germline.
Comment: This variant is not present in population databases (gnomAD no frequency). In summary, the available evidence is currently insufficient to determine the role of this variant in disease. Therefore, it has been classified as a Variant of Uncertain Significance. Algorithms developed to predict the effect of sequence changes on RNA splicing suggest that this variant may disrupt the consensus splice site. This variant has not been reported in the literature in individuals affected with MYOM1-related conditions. This sequence change affects codon 895 of the MYOM1 mRNA. It is a 'silent' change, meaning that it does not change the encoded amino acid sequence of the MYOM1 protein.